The following is an entry in ClinVar:

ClinVar aggregate classification (germline): Uncertain significance. Review status: criteria provided, multiple submitters, no conflicts (2 of 4 stars). 5 submissions from 5 submitters: Uncertain significance (5). Last evaluated 2025-10-22.

Conditions:
Cardiac arrhythmia. Also called: Cardiac rhythm disease; Arrhythmia. Identifiers: MedGen C0003811, MONDO:0007263, HP:0011675.
Long QT syndrome 1 (LQT1). Identifiers: Orphanet 101016, Orphanet 768, MedGen C4551647, MONDO:0100316, OMIM 192500, MONDO:0008646.
Long QT syndrome (LQTS). Identifiers: MedGen C0023976, MeSH D008133, MONDO:0002442. Disease mechanism: loss of function. Inheritance: Various modes of inheritance.

Allele frequency attached by ClinVar (database versions not stated): TOPMed below 0.00001; gnomAD 0.00001; gnomAD exomes 0.00001.
gnomAD v4.1: 10 of 1,579,518 alleles (0.00063%); highest among the groups gnomAD compares: Non-Finnish European, 0.00086%; no homozygotes.

Submissions (5):

Labcorp Genetics (formerly Invitae), Labcorp
Classification: Uncertain significance for Long QT syndrome. Last evaluated: 2025-10-22. Review status: criteria provided, single submitter. Criteria: Invitae Variant Classification Sherloc (09022015). Collection method: clinical testing. Allele origin: germline.
Comment: This sequence change replaces cysteine, which is neutral and slightly polar, with phenylalanine, which is neutral and non-polar, at codon 642 of the KCNQ1 protein (p.Cys642Phe). This variant is not present in population databases (gnomAD no frequency). This missense change has been observed in individual(s) with hypertrophic cardiomyopathy (PMID: 25351510). ClinVar contains an entry for this variant (Variation ID: 924413). Invitae Evidence Modeling of protein sequence and biophysical properties (such as structural, functional, and spatial information, amino acid conservation, physicochemical variation, residue mobility, and thermodynamic stability) indicates that this missense variant is not expected to disrupt KCNQ1 protein function with a negative predictive value of 95%. In summary, the available evidence is currently insufficient to determine the role of this variant in disease. Therefore, it has been classified as a Variant of Uncertain Significance.

All of Us Research Program, National Institutes of Health
Classification: Uncertain significance for Long QT syndrome. Last evaluated: 2023-12-18. Review status: criteria provided, single submitter. Criteria: ACMG Guidelines, 2015. Collection method: clinical testing. Allele origin: germline. Inheritance: Autosomal dominant inheritance. Observed: 1 variant allele, 1 heterozygote.
Comment: This missense variant replaces cysteine with phenylalanine at codon 642 of the KCNQ1 protein. Computational prediction tools indicate that this variant's impact on protein structure and function is inconclusive. This variant is found within a highly conserved C-terminus region (a.a. 608-676). Rare non-truncating variants in this region have been shown to be significantly overrepresented in individuals with long QT syndrome (PMID: 32893267). To our knowledge, functional studies have not been reported for this variant. This variant has been reported in at least 1 individual affected with hypertrophic cardiomyopathy (PMID: 25351510). This variant has not been identified in the general population by the Genome Aggregation Database (gnomAD). The available evidence is insufficient to determine the role of this variant in disease conclusively. Therefore, this variant is classified as a Variant of Uncertain Significance.

This study involves interpretation of variants in research participants for the purpose of population health screening. Participant phenotype was not available at the time of variant classification. Additional details can be found in publication PMID: 35346344, PMCID: PMC8962531

Color Diagnostics, LLC DBA Color Health
Classification: Uncertain significance for Cardiac arrhythmia. Last evaluated: 2023-12-08. Review status: criteria provided, single submitter. Criteria: ACMG Guidelines, 2015. Collection method: clinical testing. Allele origin: germline.
Comment: This missense variant replaces cysteine with phenylalanine at codon 642 of the KCNQ1 protein. Computational prediction tools indicate that this variant's impact on protein structure and function is inconclusive. This variant is found within a highly conserved C-terminus region (a.a. 608-676). Rare non-truncating variants in this region have been shown to be significantly overrepresented in individuals with long QT syndrome (PMID: 32893267). To our knowledge, functional studies have not been reported for this variant. This variant has been reported in at least 1 individual affected with hypertrophic cardiomyopathy (PMID: 25351510). This variant has not been identified in the general population by the Genome Aggregation Database (gnomAD). The available evidence is insufficient to determine the role of this variant in disease conclusively. Therefore, this variant is classified as a Variant of Uncertain Significance.

Victorian Clinical Genetics Services, Murdoch Childrens Research Institute
Classification: Uncertain significance for Long QT syndrome 1. Last evaluated: 2023-07-16. Review status: criteria provided, single submitter. Criteria: ACMG Guidelines, 2015. Collection method: clinical testing. Allele origin: germline. Inheritance: Autosomal dominant inheritance. Affected: yes.
Comment: Based on the classification scheme VCGS_Germline_v1.3.4, this variant is classified as VUS-3B. Following criteria are met: 0103 - Dominant negative, loss of function and gain of function are known mechanisms of disease in this gene. Gain of function variants result exclusively in short QT syndrome 2 (MIM#609621), while dominant negative and loss of function variants can cause long QT syndrome 1 (LQTS, MIM#192500), familial atrial fibrillation 3 (MIM#607554) as well as Jervell and Lange-Nielsen syndrome (JLNS, MIM#220400) (OMIM, PMIDs: 19632626, 28438721). (I) 0108 - This gene is associated with both recessive and dominant disease. JLNS (MIM#220400) is characterised by congenital, bilateral deafness and variable degrees of QT prolongation, and is the only condition caused by biallelic variants (PMID: 28438721). (I) 0112 - The condition associated with this gene has incomplete penetrance (OMIM, PMID: 20301308). (I) 0200 - Variant is predicted to result in a missense amino acid change from cysteine to phenylalanine. (I) 0251 - This variant is heterozygous. (I) 0304 - Variant is present in gnomAD <0.01 (v2 & v3: 1 heterozygote, 0 homozygotes). (SP) 0502 - Missense variant with conflicting in silico predictions and uninformative conservation. (I) 0604 - Variant is not located in an established domain, motif, hotspot or informative constraint region. (I) 0710 - Other missense variants comparable to the one identified in this case have inconclusive previous evidence for pathogenicity. p.(Cys642Arg) and p.(Cys642Trp) have been reported as VUS by clinical testing laboratories (ClinVar). (I) 0809 - Previous evidence of pathogenicity for this variant is inconclusive. This variant has been reported as a VUS in an adult who reported no personal history of heart disease (ClinVar, personal communication). It has also been identified in a HCM cohort (PMID: 25351510). (I) 0905 - No published segregation evidence has been identified for this variant. (I) 1007 - No published functional evidence has been identified for this variant. (I) 1208 - Inheritance information for this variant is not currently available in this individual. (I) Legend: (SP) - Supporting pathogenic, (I) - Information, (SB) - Supporting benign

Blueprint Genetics
Classification: Uncertain significance. Last evaluated: 2021-12-28. Review status: criteria provided, single submitter. Criteria: ACMG Guidelines, 2015. Collection method: clinical testing. Allele origin: germline.

Literature cited by the submitters: PubMed 25351510 (cited by 4 submitters); PubMed 32893267 (cited by All of Us Research Program, National Institutes of Health and Color Diagnostics, LLC DBA Color Health); PubMed 19632626 (cited by Victorian Clinical Genetics Services, Murdoch Childrens Research Institute); PubMed 20301308 (cited by Victorian Clinical Genetics Services, Murdoch Childrens Research Institute); PubMed 28438721 (cited by Victorian Clinical Genetics Services, Murdoch Childrens Research Institute).

NM_000218.3(KCNQ1):c.1925G>T (p.Cys642Phe)

Genes: KCNQ1 (potassium voltage-gated channel subfamily Q member 1; plus strand), KCNQ1-AS1 (KCNQ1 antisense RNA 1; minus strand). Cytogenetic location: 11p15.4.
Variant type: single nucleotide variant.
Coding change: c.1925G>T on transcript NM_000218.3 (MANE Select); coding-DNA position 1925, G replaced by T.
Protein change: p.Cys642Phe; replaces cysteine 642 with phenylalanine.
Molecular consequence: missense variant.
Genome position (GRCh38, 1-based): chr11:2,847,897, G>T. VCF-style: chr11-2847897-G-T. GRCh37 (hg19) VCF-style: chr11-2869127-G-T.
Other names: c.1829G>T, p.Cys610Phe (NM_001406836.1); c.1655G>T, p.Cys552Phe (NM_001406837.1); c.1385G>T, p.Cys462Phe (NM_001406838.1); c.437G>T, p.Cys146Phe (NM_001406839.1); c.1544G>T, p.Cys515Phe (NM_181798.2); short protein forms C515F, C642F, C610F, C552F, C146F, C462F.
Identifiers: ClinVar variation 924413 (VCV000924413.15), dbSNP rs1456989889, ClinGen allele CA379140444.
Genomic context (GRCh38, chr11:2,847,897, plus strand): 5'-GCAGCACCCCCGGCAGCGGCGGCCCCCCCAGAGAGGGCGGGGCCCACATCACCCAGCCCT[G>T]CGGCAGTGGCGGCTCCGTCGACCCTGAGCTCTTCCTGCCCAGCAACACCCTGCCCACCTA-3'
Protein context (NP_000209.2, residues 632-652): REGGAHITQP[Cys642Phe]GSGGSVDPEL